The following is an entry in ClinVar:

NM_001783.4(CD79A):c.467C>T (p.Ala156Val)

Genes: CD79A (CD79a molecule; plus strand), RPS19-CD79A (RPS19-CD79A readthrough; plus strand). Cytogenetic location: 19q13.2.
Variant type: single nucleotide variant.
Coding change: c.467C>T on transcript NM_001783.4 (MANE Select); coding-DNA position 467, C replaced by T.
Protein change: p.Ala156Val; replaces alanine 156 with valine.
Molecular consequence: missense variant.
Genome position (GRCh38, 1-based): chr19:41,879,622, C>T. VCF-style: chr19-41879622-C-T. GRCh37 (hg19) VCF-style: chr19-42383692-C-T.
Other names: c.353C>T, p.Ala118Val (NM_021601.4); short protein forms A118V, A156V.
Identifiers: ClinVar variation 942886 (VCV000942886.5), dbSNP rs202097187, ClinGen allele CA9465623.

ClinVar aggregate classification (germline): Uncertain significance (1 of 4 stars; one submission).

Conditions:
Agammaglobulinemia 3, autosomal recessive (AGM3). Also called: AGAMMAGLOBULINEMIA 3; AGAMMAGLOBULINEMIA, AUTOSOMAL RECESSIVE, DUE TO CD79A DEFECT. Identifiers: MedGen C3150751, MONDO:0013288, OMIM 613501.

Allele frequency attached by ClinVar (database versions not stated): ExAC 0.00001; gnomAD exomes 0.00001 and 0.00002; gnomAD 0.00014 and 0.00015; TOPMed 0.00033; 1000 Genomes Project 0.00040; 1000 Genomes Project 30x 0.00047.
gnomAD v4.1: 51 of 1,611,218 alleles (0.0032%); highest among the groups gnomAD compares: Admixed American, 0.062%; no homozygotes.

Submission:

Labcorp Genetics (formerly Invitae), Labcorp
Classification: Uncertain significance for Agammaglobulinemia 3, autosomal recessive. Last evaluated: 2022-10-13. Review status: criteria provided, single submitter. Criteria: Invitae Variant Classification Sherloc (09022015). Collection method: clinical testing. Allele origin: germline.
Comment: This sequence change replaces alanine, which is neutral and non-polar, with valine, which is neutral and non-polar, at codon 156 of the CD79A protein (p.Ala156Val). The frequency data for this variant in the population databases is considered unreliable, as metrics indicate poor data quality at this position in the gnomAD database. This variant has not been reported in the literature in individuals affected with CD79A-related conditions. ClinVar contains an entry for this variant (Variation ID: 942886). Algorithms developed to predict the effect of missense changes on protein structure and function are either unavailable or do not agree on the potential impact of this missense change (SIFT: "Tolerated"; PolyPhen-2: "Probably Damaging"; Align-GVGD: "Class C0"). In summary, the available evidence is currently insufficient to determine the role of this variant in disease. Therefore, it has been classified as a Variant of Uncertain Significance.